The following is an entry in ClinVar:

NM_001142864.4(PIEZO1):c.3503G>A (p.Trp1168Ter)

Gene: PIEZO1 (piezo type mechanosensitive ion channel component 1 (Er blood group); minus strand). Cytogenetic location: 16q24.3.
Variant type: single nucleotide variant.
Coding change: c.3503G>A on transcript NM_001142864.4 (MANE Select); coding-DNA position 3503, G replaced by A.
Protein change: p.Trp1168Ter; replaces tryptophan 1168 with a stop codon.
Molecular consequence: nonsense.
Genome position (GRCh38, 1-based): chr16:88,726,911, C>T on the plus strand (G>A on the coding strand, the complement: PIEZO1 is on the minus strand). VCF-style: chr16-88726911-C-T. GRCh37 (hg19) VCF-style: chr16-88793319-C-T.
Other names: short protein forms W1168*.
Identifiers: ClinVar variation 4879639 (VCV004879639.1).
Genomic context (GRCh38, chr16:88,726,911, plus strand): 5'-CCCAGCCCGAAGATGCTGATGCGGGTGGCCCCCGTGACAAACACCACCACCAGCACCAGC[C>T]AGAACAGGTATCGGAAGACGGCCACCTTCAGCATGTCAAGGTAGGACCTGCCAGGCCGGA-3'

ClinVar aggregate classification (germline): Pathogenic (1 of 4 stars; one submission).

Conditions:
Lymphatic malformation 6 (LMPHM6). Also called: GENERALIZED LYMPHATIC DYSPLASIA OF FOTIOU; Lymphedema, hereditary, III; PIEZO1-related generalized lymphatic dysplasia with non-immune hydrops fetalis. Identifiers: Orphanet 568062, MedGen C4225184, MONDO:0014797, OMIM 616843.

gnomAD v4.1: 15 of 1,550,318 alleles (0.00097%); highest among the groups gnomAD compares: Non-Finnish European, 0.0013%; no homozygotes.

Submission:

Victorian Clinical Genetics Services, Murdoch Childrens Research Institute
Classification: Pathogenic for Lymphatic malformation 6. Last evaluated: 2026-06-22. Review status: criteria provided, single submitter. Criteria: ACMG Guidelines, 2015. Collection method: clinical testing. Allele origin: germline. Affected: no.
Comment: This variant is classified as Pathogenic. Evidence in support of pathogenic classification: Variant is predicted to cause nonsense-mediated decay (NMD) and loss of protein (premature termination codon is located at least 54 nucleotides upstream of the final exon-exon junction); Variant is present in gnomAD <0.01 for a recessive condition (v4: 15 heterozygote(s), 0 homozygote(s)); Other NMD-predicted variant(s) comparable to the one identified in this case have very strong previous evidence for pathogenicity (DECIPHER). Additional information: This variant is heterozygous; This gene is associated with both recessive and dominant disease. LMPHM6 has been reported in individuals with biallelic variants, while DHS has only been reported in individuals with heterozygous missense variants or inframe duplication variants with a gain of function mechanism (OMIM); Loss of function and gain of function are known mechanisms of disease in this gene and are associated with lymphatic malformation 6 (LMPHM6; MIM#616843), and dehydrated hereditary stomatocytosis with or without pseudohyperkalaemia and/or perinatal oedema (DHS; MIM#194380), respectively (OMIM).